The following is an entry in ClinVar:

NM_052947.4(ALPK2):c.1288A>T (p.Thr430Ser)

Gene: ALPK2 (alpha kinase 2; minus strand). Cytogenetic location: 18q21.31.
Variant type: single nucleotide variant.
Coding change: c.1288A>T on transcript NM_052947.4 (MANE Select); coding-DNA position 1288, A replaced by T.
Protein change: p.Thr430Ser; replaces threonine 430 with serine.
Molecular consequence: missense variant.
Genome position (GRCh38, 1-based): chr18:58,579,488, T>A on the plus strand (A>T on the coding strand, the complement: ALPK2 is on the minus strand). VCF-style: chr18-58579488-T-A. GRCh37 (hg19) VCF-style: chr18-56246720-T-A.
Other names: short protein forms T430S.
Identifiers: ClinVar variation 1769013 (VCV001769013.2), dbSNP rs1245582625, ClinGen allele CA402563660.

ClinVar aggregate classification (germline): Uncertain significance (1 of 4 stars; one submission).

Allele frequency attached by ClinVar (database versions not stated): gnomAD exomes below 0.00001.
gnomAD v4.1: 1 of 1,613,194 alleles (0.000062%); highest among the groups gnomAD compares: Non-Finnish European, 0.000085%; no homozygotes.

Submission:

Ambry Genetics
Classification: Uncertain significance. Last evaluated: 2022-01-29. Review status: criteria provided, single submitter. Criteria: Ambry Variant Classification Scheme 2023. Collection method: clinical testing. Allele origin: germline.
Comment: The p.T430S variant (also known as c.1288A>T), located in coding exon 3 of the ALPK2 gene, results from an A to T substitution at nucleotide position 1288. The threonine at codon 430 is replaced by serine, an amino acid with similar properties. This amino acid position is conserved. In addition, this alteration is predicted to be tolerated by in silico analysis. Since supporting evidence is limited at this time, the clinical significance of this alteration remains unclear.